The following is an entry in ClinVar:

ClinVar aggregate classification (germline): Uncertain significance. Review status: criteria provided, multiple submitters, no conflicts (2 of 4 stars). 2 submissions from 2 submitters: Uncertain significance (2). Last evaluated 2025-08-25.

Conditions:
Cardiomyopathy (CMYO). Also called: Cardiomyopathies. Identifiers: Orphanet 167848, MedGen C0878544, MONDO:0004994, HP:0001638. Inheritance: Various modes of inheritance.
Hypertrophic cardiomyopathy. Also called: HYPERTROPHIC MYOCARDIOPATHY. Identifiers: Orphanet 217569, MedGen C0007194, MeSH D002312, MONDO:0005045, HP:0001639.

Allele frequency attached by ClinVar (database versions not stated): gnomAD exomes below 0.00001.
gnomAD v4.1: 2 of 1,614,032 alleles (0.00012%); highest among the groups gnomAD compares: Non-Finnish European, 0.00017%; no homozygotes.

Submissions (2):

Color Diagnostics, LLC DBA Color Health
Classification: Uncertain significance for Cardiomyopathy. Last evaluated: 2025-08-25. Review status: criteria provided, single submitter. Criteria: ACMG Guidelines, 2015. Collection method: clinical testing. Allele origin: germline.
Comment: This missense variant replaces alanine with threonine at codon 695 of the MYBPC3 protein. Computational prediction suggests that this variant may not impact protein structure and function. To our knowledge, functional studies have not been reported for this variant. This variant has not been reported in individuals affected with MYBPC3-related disorders in the literature. This variant has been identified in 1/249200 chromosomes in the general population by the Genome Aggregation Database (gnomAD). The available evidence is insufficient to determine the role of this variant in disease conclusively. Therefore, this variant is classified as a Variant of Uncertain Significance.

Labcorp Genetics (formerly Invitae), Labcorp
Classification: Uncertain significance for Hypertrophic cardiomyopathy. Last evaluated: 2018-12-27. Review status: criteria provided, single submitter. Criteria: Invitae Variant Classification Sherloc (09022015). Collection method: clinical testing. Allele origin: germline.
Comment: Algorithms developed to predict the effect of missense changes on protein structure and function (SIFT, PolyPhen-2, Align-GVGD) all suggest that this variant is likely to be tolerated, but these predictions have not been confirmed by published functional studies and their clinical significance is uncertain. This sequence change replaces alanine with threonine at codon 695 of the MYBPC3 protein (p.Ala695Thr). The alanine residue is moderately conserved and there is a small physicochemical difference between alanine and threonine. This variant is not present in population databases (ExAC no frequency). This variant has not been reported in the literature in individuals with MYBPC3-related conditions. In summary, the available evidence is currently insufficient to determine the role of this variant in disease. Therefore, it has been classified as a Variant of Uncertain Significance.

NM_000256.3(MYBPC3):c.2083G>A (p.Ala695Thr)

Gene: MYBPC3 (myosin binding protein C3; minus strand). Cytogenetic location: 11p11.2.
Variant type: single nucleotide variant.
Coding change: c.2083G>A on transcript NM_000256.3 (MANE Select); coding-DNA position 2083, G replaced by A.
Protein change: p.Ala695Thr; replaces alanine 695 with threonine.
Molecular consequence: missense variant.
Genome position (GRCh38, 1-based): chr11:47,339,389, C>T on the plus strand (G>A on the coding strand, the complement: MYBPC3 is on the minus strand). VCF-style: chr11-47339389-C-T. GRCh37 (hg19) VCF-style: chr11-47360940-C-T.
Other names: c.2083G>A, p.Ala695Thr (LRG_386t1); short protein forms A695T.
Identifiers: ClinVar variation 654624 (VCV000654624.8), dbSNP rs1360594566, ClinGen allele CA380321128.